The following is an entry in ClinVar:

ClinVar aggregate classification (germline): Uncertain significance. Review status: criteria provided, multiple submitters, no conflicts (2 of 4 stars). 2 submissions from 2 submitters: Uncertain significance (2). Last evaluated 2025-02-20.

Conditions:
SATB2-related disorder. Also called: SATB2-related condition.
Chromosome 2q32-q33 deletion syndrome (GLASS). Also called: 2q33.1 deletion syndrome; Glass syndrome. Identifiers: Orphanet 251019, MedGen C2676739, MONDO:0012864, OMIM 612313.

Submissions (2):

PreventionGenetics, part of Exact Sciences
Classification: Uncertain significance for SATB2-related condition. Last evaluated: 2025-02-20. Review status: criteria provided, single submitter. Criteria: ACMG Guidelines, 2015. Collection method: clinical testing. Allele origin: germline.
Comment: The SATB2 c.230A>G variant is predicted to result in the amino acid substitution p.Asn77Ser. To our knowledge, this variant has not been reported in the literature or in a large population database (gnomAD), indicating this variant is rare. At this time, the clinical significance of this variant is uncertain due to the absence of conclusive functional and genetic evidence.

Labcorp Genetics (formerly Invitae), Labcorp
Classification: Uncertain significance for Chromosome 2q32-q33 deletion syndrome. Last evaluated: 2024-04-02. Review status: criteria provided, single submitter. Criteria: Invitae Variant Classification Sherloc (09022015). Collection method: clinical testing. Allele origin: germline.
Comment: This sequence change replaces asparagine, which is neutral and polar, with serine, which is neutral and polar, at codon 77 of the SATB2 protein (p.Asn77Ser). This variant is not present in population databases (gnomAD no frequency). This variant has not been reported in the literature in individuals affected with SATB2-related conditions. Advanced modeling of protein sequence and biophysical properties (such as structural, functional, and spatial information, amino acid conservation, physicochemical variation, residue mobility, and thermodynamic stability) performed at Invitae indicates that this missense variant is not expected to disrupt SATB2 protein function with a negative predictive value of 80%. In summary, the available evidence is currently insufficient to determine the role of this variant in disease. Therefore, it has been classified as a Variant of Uncertain Significance.

NM_001172509.2(SATB2):c.230A>G (p.Asn77Ser)

Gene: SATB2 (SATB homeobox 2; minus strand). Cytogenetic location: 2q33.1.
Variant type: single nucleotide variant.
Coding change: c.230A>G on transcript NM_001172509.2 (MANE Select); coding-DNA position 230, A replaced by G.
Protein change: p.Asn77Ser; replaces asparagine 77 with serine.
Molecular consequence: missense variant. On other transcripts: non-coding transcript variant (1).
Genome position (GRCh38, 1-based): chr2:199,433,454, T>C on the plus strand (A>G on the coding strand, the complement: SATB2 is on the minus strand). VCF-style: chr2-199433454-T-C. GRCh37 (hg19) VCF-style: chr2-200298177-T-C.
Other names: c.230A>G, p.Asn77Ser (NM_001172517.1, NM_015265.4); c.230A>G (NM_015265.3); short protein forms N77S.
Identifiers: ClinVar variation 3614140 (VCV003614140.3).